The following is an entry in ClinVar:

NM_001370259.2(MEN1):c.333T>C (p.Gly111=)

Gene: MEN1 (menin 1; minus strand). Cytogenetic location: 11q13.1.
Variant type: single nucleotide variant.
Coding change: c.333T>C on transcript NM_001370259.2 (MANE Select); coding-DNA position 333, T replaced by C.
Protein change: p.Gly111=; no amino-acid change (glycine 111 retained).
Molecular consequence: synonymous variant.
Genome position (GRCh38, 1-based): chr11:64,809,777, A>G on the plus strand (T>C on the coding strand, the complement: MEN1 is on the minus strand). VCF-style: chr11-64809777-A-G. GRCh37 (hg19) VCF-style: chr11-64577249-A-G.
Other names: c.333T>C, p.Gly111= (NM_000244.4, NM_001370251.2, NM_001370260.2 and 9 more transcripts).
Identifiers: ClinVar variation 527315 (VCV000527315.19), dbSNP rs1555166432, ClinGen allele CA475163444.

ClinVar aggregate classification (germline): Likely benign. Review status: criteria provided, multiple submitters, no conflicts (2 of 4 stars). 2 submissions from 2 submitters: Likely benign (2). Last evaluated 2025-12-20.

Conditions:
Multiple endocrine neoplasia, type 1 (MEN1). Also called: Endocrine adenomatosis multiple; MEN 1; MEA I; MEN I; WERMER SYNDROME. Identifiers: Orphanet 652, MedGen C0025267, MeSH D018761, MONDO:0007540, OMIM 131100.

gnomAD v4.1: 1 of 1,613,644 alleles (0.000062%); no homozygotes.

Submissions (2):

Labcorp Genetics (formerly Invitae), Labcorp
Classification: Likely benign for Multiple endocrine neoplasia, type 1. Last evaluated: 2025-12-20. Review status: criteria provided, single submitter. Criteria: Invitae Variant Classification Sherloc (09022015). Collection method: clinical testing. Allele origin: germline.

CeGaT Center for Human Genetics Tuebingen
Classification: Likely benign. Last evaluated: 2025-08-01. Review status: criteria provided, single submitter. Criteria: CeGaT Center For Human Genetics Tuebingen Variant Classification Criteria Version 2. Collection method: clinical testing. Allele origin: germline. Affected: yes. Observed: 1 variant allele.
Comment: MEN1: BP4, BP7